The following is an entry in ClinVar:

ClinVar aggregate classification (germline): Uncertain significance (1 of 4 stars; one submission).

Conditions:
Hereditary cancer-predisposing syndrome. Also called: Tumor predisposition; Neoplastic Syndromes, Hereditary; Hereditary Cancer Syndrome; Hereditary neoplastic syndrome. Identifiers: Orphanet 140162, MedGen C0027672, MeSH D009386, MONDO:0015356.

Submission:

Ambry Genetics
Classification: Uncertain significance for Hereditary cancer-predisposing syndrome. Last evaluated: 2024-12-08. Review status: criteria provided, single submitter. Criteria: Ambry Variant Classification Scheme 2023. Collection method: clinical testing. Allele origin: germline.
Comment: The p.E816A variant (also known as c.2447A>C), located in coding exon 10 of the BRCA2 gene, results from an A to C substitution at nucleotide position 2447. The glutamic acid at codon 816 is replaced by alanine, an amino acid with dissimilar properties. This amino acid position is conserved. In addition, this alteration is predicted to be tolerated by in silico analysis. Based on the available evidence, the clinical significance of this variant remains unclear.

NM_000059.4(BRCA2):c.2447A>C (p.Glu816Ala)

Gene: BRCA2 (BRCA2 DNA repair associated; plus strand). Cytogenetic location: 13q13.1.
Variant type: single nucleotide variant.
Coding change: c.2447A>C on transcript NM_000059.4 (MANE Select); coding-DNA position 2447, A replaced by C.
Protein change: p.Glu816Ala; replaces glutamic acid 816 with alanine.
Molecular consequence: missense variant. On other transcripts: non-coding transcript variant (1), intron variant (2).
Genome position (GRCh38, 1-based): chr13:32,336,802, A>C. VCF-style: chr13-32336802-A-C. GRCh37 (hg19) VCF-style: chr13-32910939-A-C.
Other names: c.2447A>C, p.Glu816Ala (NM_001406719.1, NM_001406720.1, NM_001432077.1); c.1909+3415A>C (NM_001406721.1); c.424+5772A>C (NM_001406722.1); short protein forms E816A.
Identifiers: ClinVar variation 3482217 (VCV003482217.1).